The following is an entry in ClinVar:

ClinVar aggregate classification (germline): Conflicting classifications of pathogenicity. Review status: criteria provided, conflicting classifications (1 of 4 stars). 3 submissions from 3 submitters: Uncertain significance (2); Benign (1). Last evaluated 2025-03-04.

Conditions:
Ehlers-Danlos syndrome, classic type, 1 (EDSCL1). Also called: Ehlers-Danlos Syndrome, Classic Type, COL5A1-Related; EHLERS-DANLOS SYNDROME, GRAVIS TYPE; EHLERS-DANLOS SYNDROME, SEVERE CLASSIC TYPE; Ehlers-Danlos syndrome, type 1; EDS I. Identifiers: MedGen C0268335, MONDO:0019567, OMIM 130000.

Allele frequency attached by ClinVar (database versions not stated): gnomAD 0.00007; TOPMed 0.00002.
gnomAD v4.1: 11 of 1,270,220 alleles (0.00087%); highest among the groups gnomAD compares: Admixed American, 0.029%; no homozygotes.

Submissions (3):

Center for Genomic Medicine, Rigshospitalet, Copenhagen University Hospital
Classification: Uncertain significance. Last evaluated: 2025-03-04. Review status: criteria provided, single submitter. Criteria: ACMG Guidelines, 2015. Collection method: clinical testing. Allele origin: germline.

Labcorp Genetics (formerly Invitae), Labcorp
Classification: Benign for Ehlers-Danlos syndrome, classic type, 1. Last evaluated: 2022-12-06. Review status: criteria provided, single submitter. Criteria: Invitae Variant Classification Sherloc (09022015). Collection method: clinical testing. Allele origin: germline.

GeneDx
Classification: Uncertain significance. Last evaluated: 2013-10-25. Review status: criteria provided, single submitter. Criteria: GeneDx Variant Classification (06012015). Collection method: clinical testing. Allele origin: germline. Affected: yes.
Comment: p.Pro22Arg (CCG>CGG): c.65 C>G in exon 1 of the COL5A1 gene (NM_000093.3)The Pro22Arg variant in the COL5A1 gene has not been reported as a disease-causing mutation or as a benign polymorphism to our knowledge. Pro22Arg results in a non-conservative amino acid substitution of a non-polar Proline with a positively charged Arginine at a position that is not conserved across species. In silico analysis predicts Pro22Arg is benign to the protein structure/function. Mutations in a nearby residue (Leu25Pro, Leu25Arg) have been reported in association with Ehlers Danlos syndrome (EDS), supporting the functional importance of this region of the protein. Data from control individuals were not available to assess whether Pro22Arg may be a common benign variant in the general population.With the clinical and molecular information available at this time, we cannot definitively determine if Pro22Arg is a disease-causing mutation or a rare benign variant. The pathogenic role for this variant would be further supported if it occurred de novo or if it co-segregates, independently, with an EDS phenotype. This variant was found in TAAD

Literature cited by the submitters: PubMed 9042913 (cited by Center for Genomic Medicine, Rigshospitalet, Copenhagen University Hospital).

NM_000093.5(COL5A1):c.65C>G (p.Pro22Arg)

Gene: COL5A1 (collagen type V alpha 1 chain; plus strand). Cytogenetic location: 9q34.3.
Variant type: single nucleotide variant.
Coding change: c.65C>G on transcript NM_000093.5 (MANE Select); coding-DNA position 65, C replaced by G.
Protein change: p.Pro22Arg; replaces proline 22 with arginine.
Molecular consequence: missense variant.
Genome position (GRCh38, 1-based): chr9:134,642,252, C>G. VCF-style: chr9-134642252-C-G. GRCh37 (hg19) VCF-style: chr9-137534098-C-G.
Other names: p.P22R:CCG>CGG; c.65C>G, p.Pro22Arg (NM_001278074.1); short protein forms P22R.
Identifiers: ClinVar variation 213027 (VCV000213027.14), dbSNP rs863223467, ClinGen allele CA323910.
Genomic context (GRCh38, chr9:134,642,252, plus strand): 5'-ACGTCCATACCCGCTGGAAAGCGCGCAGCGCGCTCCGCCCGGGCGCCCCGCTGCTGCCCC[C>G]GCTGCTGCTGCTGCTGCTGTGGGCGCCGCCTCCGAGCCGCGCAGGTAAGGGCGCCCCGGG-3'
Protein context (NP_000084.3, residues 12-32): ALRPGAPLLP[Pro22Arg]LLLLLLWAPP